The following is an entry in ClinVar:

ClinVar aggregate classification (germline): Benign (1 of 4 stars; one submission).

Allele frequency attached by ClinVar (database versions not stated): 1000 Genomes Project 0.09545; 1000 Genomes Project 30x 0.09775; gnomAD 0.14146 and 0.14358; TOPMed 0.14295.
gnomAD v4.1: 21,746 of 152,238 alleles (14%); highest among the groups gnomAD compares: Non-Finnish European, 20%; 2,019 homozygotes.

Submission:

GeneDx
Classification: Benign. Last evaluated: 2018-06-19. Review status: criteria provided, single submitter. Criteria: GeneDx Variant Classification (06012015). Collection method: clinical testing. Allele origin: germline. Affected: yes.
Comment: This variant is considered likely benign or benign based on one or more of the following criteria: it is a conservative change, it occurs at a poorly conserved position in the protein, it is predicted to be benign by multiple in silico algorithms, and/or has population frequency not consistent with disease.

NM_139343.3(BIN1):c.1131+273C>T

Gene: BIN1 (bridging integrator 1; minus strand). Cytogenetic location: 2q14.3.
Variant type: single nucleotide variant.
Coding change: c.1131+273C>T on transcript NM_139343.3 (MANE Select); 273 bases into the intron after coding-DNA position 1131, C replaced by T.
Molecular consequence: intron variant.
Genome position (GRCh38, 1-based): chr2:127,057,200, G>A on the plus strand (C>T on the coding strand, the complement: BIN1 is on the minus strand). VCF-style: chr2-127057200-G-A. GRCh37 (hg19) VCF-style: chr2-127814776-G-A.
Other names: c.1050+273C>T (NM_001320642.1); c.837+1811C>T (NM_001320634.1); c.909+1811C>T (NM_139351.3, NM_139350.3, NM_139349.3); c.1038+273C>T (NM_139348.3, NM_139347.3, NM_001320641.2); c.954+1811C>T (NM_001320632.2, NM_004305.4); c.1083+273C>T (NM_139346.3); c.1002+1811C>T (NM_001320633.2, NM_139345.3, NM_139344.3); c.1131+273C>T (NM_001320640.2).
Identifiers: ClinVar variation 668876 (VCV000668876.1), dbSNP rs3754619, ClinGen allele CA11082046.